The following is an entry in ClinVar:

ClinVar aggregate classification (germline): Uncertain significance. Review status: criteria provided, multiple submitters, no conflicts (2 of 4 stars). 3 submissions from 3 submitters: Uncertain significance (3). Last evaluated 2025-11-03.

Conditions:
Hereditary cancer-predisposing syndrome. Also called: Hereditary neoplastic syndrome; Neoplastic Syndromes, Hereditary; Tumor predisposition; Hereditary Cancer Syndrome. Identifiers: Orphanet 140162, MedGen C0027672, MeSH D009386, MONDO:0015356.

Allele frequency attached by ClinVar (database versions not stated): gnomAD exomes below 0.00001 and 0.00001; ExAC 0.00001; gnomAD 0.00001; TOPMed 0.00001.

Submissions (3):

Labcorp Genetics (formerly Invitae), Labcorp
Classification: Uncertain significance for Hereditary cancer-predisposing syndrome. Last evaluated: 2025-11-03. Review status: criteria provided, single submitter. Criteria: Invitae Variant Classification Sherloc (09022015). Collection method: clinical testing. Allele origin: germline.
Comment: This sequence change replaces arginine, which is basic and polar, with histidine, which is basic and polar, at codon 352 of the RAD50 protein (p.Arg352His). This variant is present in population databases (rs757836195, gnomAD 0.0009%). This variant has not been reported in the literature in individuals affected with RAD50-related conditions. ClinVar contains an entry for this variant (Variation ID: 186055). Invitae Evidence Modeling of protein sequence and biophysical properties (such as structural, functional, and spatial information, amino acid conservation, physicochemical variation, residue mobility, and thermodynamic stability) indicates that this missense variant is expected to disrupt RAD50 protein function with a positive predictive value of 80%. In summary, the available evidence is currently insufficient to determine the role of this variant in disease. Therefore, it has been classified as a Variant of Uncertain Significance.

Quest Diagnostics Nichols Institute San Juan Capistrano
Classification: Uncertain significance. Last evaluated: 2025-04-24. Review status: criteria provided, single submitter. Criteria: Quest Diagnostics criteria. Collection method: clinical testing. Allele origin: unknown.
Comment: The RAD50 c.1055G>A (p.Arg352His) variant has been reported in the published literature in breast cancer cases and reportedly unaffected individuals (PMID: 33471991 (2021), see also LOVD). The frequency of this variant in the general population (Genome Aggregation Database) is uninformative in the assessment of its pathogenicity. Analysis of this variant using a bioinformatics tool for the prediction of the effect of amino acid changes on protein structure and function yielded a prediction that this variant is benign. Based on the available information, we are unable to determine the clinical significance of this variant.

Ambry Genetics
Classification: Uncertain significance for Hereditary cancer-predisposing syndrome. Last evaluated: 2024-10-14. Review status: criteria provided, single submitter. Criteria: Ambry Variant Classification Scheme 2023. Collection method: clinical testing. Allele origin: germline.
Comment: The p.R352H variant (also known as c.1055G>A), located in coding exon 8 of the RAD50 gene, results from a G to A substitution at nucleotide position 1055. The arginine at codon 352 is replaced by histidine, an amino acid with highly similar properties. This amino acid position is well conserved in available vertebrate species. In addition, this alteration is predicted to be tolerated by in silico analysis. Since supporting evidence is limited at this time, the clinical significance of this alteration remains unclear.

Literature cited by the submitters: PubMed 33471991 (cited by Quest Diagnostics Nichols Institute San Juan Capistrano).

NM_005732.4(RAD50):c.1055G>A (p.Arg352His)

Gene: RAD50 (RAD50 double strand break repair protein; plus strand). Cytogenetic location: 5q31.1.
Variant type: single nucleotide variant.
Coding change: c.1055G>A on transcript NM_005732.4 (MANE Select); coding-DNA position 1055, G replaced by A.
Protein change: p.Arg352His; replaces arginine 352 with histidine.
Molecular consequence: missense variant.
Genome position (GRCh38, 1-based): chr5:132,588,690, G>A. VCF-style: chr5-132588690-G-A. GRCh37 (hg19) VCF-style: chr5-131924382-G-A.
Other names: short protein forms R352H.
Identifiers: ClinVar variation 186055 (VCV000186055.16), dbSNP rs757836195, ClinGen allele CA193746.